The following is an entry in ClinVar:

NM_001355436.2(SPTB):c.4128G>A (p.Ser1376=)

Gene: SPTB (spectrin beta, erythrocytic; minus strand). Cytogenetic location: 14q23.3.
Variant type: single nucleotide variant.
Coding change: c.4128G>A on transcript NM_001355436.2 (MANE Select); coding-DNA position 4128, G replaced by A.
Protein change: p.Ser1376=; no amino-acid change (serine 1376 retained).
Molecular consequence: synonymous variant.
Genome position (GRCh38, 1-based): chr14:64,782,428, C>T on the plus strand (G>A on the coding strand, the complement: SPTB is on the minus strand). VCF-style: chr14-64782428-C-T. GRCh37 (hg19) VCF-style: chr14-65249146-C-T.
Other names: c.4128G>A, p.Ser1376= (NM_001024858.4, NM_001355437.2).
Identifiers: ClinVar variation 3905140 (VCV003905140.10).

ClinVar aggregate classification (germline): Likely benign (1 of 4 stars; one submission).

gnomAD v4.1: 66 of 1,613,990 alleles (0.0041%); highest among the groups gnomAD compares: Middle Eastern, 0.016%; no homozygotes.

Submission:

CeGaT Center for Human Genetics Tuebingen
Classification: Likely benign. Last evaluated: 2025-05-01. Review status: criteria provided, single submitter. Criteria: CeGaT Center For Human Genetics Tuebingen Variant Classification Criteria Version 2. Collection method: clinical testing. Allele origin: germline. Affected: yes. Observed: 1 variant allele.
Comment: SPTB: BP4, BP7